The following is an entry in ClinVar:

ClinVar aggregate classification (germline): Uncertain significance (1 of 4 stars; one submission).

Conditions:
Developmental and epileptic encephalopathy, 31A. Also called: Developmental and epileptic encephalopathy, 31; Epileptic encephalopathy, early infantile, 31. Identifiers: Orphanet 2382, MedGen C4225357, MONDO:0014598, OMIM 616346.

Submission:

Labcorp Genetics (formerly Invitae), Labcorp
Classification: Uncertain significance for Developmental and epileptic encephalopathy, 31A. Last evaluated: 2022-11-15. Review status: criteria provided, single submitter. Criteria: Invitae Variant Classification Sherloc (09022015). Collection method: clinical testing. Allele origin: germline.
Comment: This sequence change replaces methionine, which is neutral and non-polar, with isoleucine, which is neutral and non-polar, at codon 332 of the DNM1 protein (p.Met332Ile). This variant is not present in population databases (gnomAD no frequency). This variant has not been reported in the literature in individuals affected with DNM1-related conditions. Advanced modeling of protein sequence and biophysical properties (such as structural, functional, and spatial information, amino acid conservation, physicochemical variation, residue mobility, and thermodynamic stability) performed at Invitae indicates that this missense variant is not expected to disrupt DNM1 protein function. Algorithms developed to predict the effect of sequence changes on RNA splicing suggest that this variant may create or strengthen a splice site. In summary, the available evidence is currently insufficient to determine the role of this variant in disease. Therefore, it has been classified as a Variant of Uncertain Significance.

NM_004408.4(DNM1):c.996G>A (p.Met332Ile)

Gene: DNM1 (dynamin 1; plus strand). Cytogenetic location: 9q34.11.
Variant type: single nucleotide variant.
Coding change: c.996G>A on transcript NM_004408.4 (MANE Select); coding-DNA position 996, G replaced by A.
Protein change: p.Met332Ile; replaces methionine 332 with isoleucine.
Molecular consequence: missense variant.
Genome position (GRCh38, 1-based): chr9:128,222,464, G>A. VCF-style: chr9-128222464-G-A. GRCh37 (hg19) VCF-style: chr9-130984743-G-A.
Other names: c.996G>A, p.Met332Ile (NM_001005336.3, NM_001288737.2, NM_001288738.2 and 2 more transcripts); short protein forms M332I.
Identifiers: ClinVar variation 2012996 (VCV002012996.4), dbSNP rs2538997268, ClinGen allele CA375015765.